The following is an entry in ClinVar:

ClinVar aggregate classification (germline): Likely pathogenic. Review status: reviewed by expert panel (3 of 4 stars). 9 submissions from 9 submitters: Likely pathogenic (1). 8 of the submissions do not count toward it. Last evaluated 2026-06-09.

Conditions:
GALT-related disorder. Also called: GALT-related condition.
Galactosemia. Also called: Galactose intolerance. Identifiers: Orphanet 352, MedGen C0016952, MONDO:0018116, HP:0004919. Disease mechanism: loss of function.
Deficiency of UDPglucose-hexose-1-phosphate uridylyltransferase. Also called: Transferase Deficiency Galactosemia; GALACTOSE-1-PHOSPHATE URIDYLYLTRANSFERASE DEFICIENCY; GALACTOSEMIA I; GALT deficiency; Galactosemia, classic. Identifiers: Orphanet 352, Orphanet 79239, MedGen C0268151, MONDO:0009258, OMIM 230400.

Allele frequency attached by ClinVar (database versions not stated): gnomAD 0.00001; gnomAD exomes 0.00001; ExAC 0.00001.
gnomAD v4.1: 5 of 1,614,056 alleles (0.00031%); highest among the groups gnomAD compares: African/African-American, 0.0027%; no homozygotes.

Submissions (9):

Clingen Galactosemia Variant Curation Expert Panel, ClinGen
Classification: Likely pathogenic for Galactosemia. Last evaluated: 2026-06-09. Review status: reviewed by expert panel. Criteria: ClinGen Galactosemia ACMG Specifications GALT V1.1. Collection method: curation. Allele origin: germline. Inheritance: Autosomal recessive inheritance.
Comment: The c.961C>T variant in GALT is a missense variant predicted to cause substitution of Histidine by Tyrosine at amino acid 321 (p.H321Y). The filtering allele frequency of the c.961T>C variant in GALT is 0.0000044 for African/African American chromosomes by gnomAD v4.1.0, which is lower than the ClinGen Galactosemia threshold (≤ 0.0005) for PM2_Supporting, and therefore meets this criterion (PM2_Supporting). The computational predictor REVEL gives a SCORE of 0.92, which is equal to or above the threshold of 0.7, evidence that correlates with impact to GALT function (PP3). At least one patient with this variant displayed GALT activity of 0.0 umol/H hg Hb in red blood cells, which is highly specific for galactosemia (PP4_moderate, PMID 30172461). This variant has been detected in 3 individuals with galactosemia. Of those individuals, 2 were homozygous for the variant (PMID 30172461) (PM3). GALT enzyme activity in E. coli showed enzyme activity at 3.9% of wild type indicating that this variant impacts protein function (PS3_Supporting; PMID 30172461). In summary, this variant meets the criteria to be classified as likely pathogenic for galactosemia based on the ACMG/AMP criteria applied, as specified by the ClinGen Galactosemia VCEP: PM2_supporting, PP4_mod, PM3, PP3, PS3_supporting (GALT specification v1.0.0).

Natera, Inc.
Classification: Likely pathogenic for Galactosemia. Last evaluated: 2025-08-28. Review status: criteria provided, single submitter. Criteria: Natera Variant Classification Schema (03/2026). Collection method: clinical testing. Allele origin: germline. Not counted in ClinVar's aggregate classification.
Comment: The c.961C>T variant in GALT is a missense variant predicted to cause substitution of histidine to tyrosine at amino acid 321. This variant is rare in the general population with a frequency below the threshold expected for the associated phenotype(s). This variant has been observed in one or more individuals affected with the associated recessive disease, as either homozygous or compound heterozygous with a second variant (PMID: 30172461). This variant has been identified in one or more affected individuals with a phenotype highly consistent with the associated gene (PMID: 30172461). Computational prediction algorithms indicate this variant is likely to affect gene or protein function. Given the available evidence, this variant is classified as Likely Pathogenic.

Mayo Clinic Laboratories, Mayo Clinic
Classification: Pathogenic. Last evaluated: 2025-02-03. Review status: criteria provided, single submitter. Criteria: ACMG Guidelines, 2015. Collection method: clinical testing. Allele origin: germline. Observed: 2 variant alleles. Not counted in ClinVar's aggregate classification.
Comment: PP3_moderate, PP4, PM2_supporting, PM3, PS3, PS4_moderate

Labcorp Genetics (formerly Invitae), Labcorp
Classification: Pathogenic for Deficiency of UDPglucose-hexose-1-phosphate uridylyltransferase. Last evaluated: 2024-11-26. Review status: criteria provided, single submitter. Criteria: Invitae Variant Classification Sherloc (09022015). Collection method: clinical testing. Allele origin: germline. Not counted in ClinVar's aggregate classification.
Comment: This sequence change replaces histidine, which is basic and polar, with tyrosine, which is neutral and polar, at codon 321 of the GALT protein (p.His321Tyr). This variant is present in population databases (rs367543266, gnomAD 0.007%). This missense change has been observed in individual(s) with galactosemia (PMID: 12595586, 30172461; internal data). ClinVar contains an entry for this variant (Variation ID: 25299). Invitae Evidence Modeling of protein sequence and biophysical properties (such as structural, functional, and spatial information, amino acid conservation, physicochemical variation, residue mobility, and thermodynamic stability) indicates that this missense variant is expected to disrupt GALT protein function with a positive predictive value of 80%. Experimental studies have shown that this missense change affects GALT function (PMID: 30172461). For these reasons, this variant has been classified as Pathogenic.

Women's Health and Genetics/Laboratory Corporation of America, LabCorp
Classification: Pathogenic for Deficiency of UDPglucose-hexose-1-phosphate uridylyltransferase. Last evaluated: 2024-07-17. Review status: criteria provided, single submitter. Criteria: LabCorp Variant Classification Summary - May 2015. Collection method: clinical testing. Allele origin: germline. Not counted in ClinVar's aggregate classification.
Comment: Variant summary: GALT c.961C>T (p.His321Tyr) results in a conservative amino acid change located in the Galactose-1-phosphate uridyl transferase, C-terminal domain (IPR005850) of the encoded protein sequence. Three of five in-silico tools predict a damaging effect of the variant on protein function. The variant allele was found at a frequency of 8e-06 in 251458 control chromosomes (gnomAD). c.961C>T has been reported in the literature in individuals affected with Galactosemia including homozygous individuals with classic galactosemia (example: Webb_2003, Mir_2022, Yuzyuk_2018). These data indicate that the variant is very likely to be associated with disease. In vitro and in vivo functional studies show that the variant resulted in reduced activity (Yuzyuk_2018). The following publications have been ascertained in the context of this evaluation (PMID: 12595586, 30172461, 27005423). ClinVar contains an entry for this variant (Variation ID: 25299). Based on the evidence outlined above, the variant was classified as pathogenic.

Baylor Genetics
Classification: Likely pathogenic for Deficiency of UDPglucose-hexose-1-phosphate uridylyltransferase. Last evaluated: 2024-03-18. Review status: criteria provided, single submitter. Criteria: ACMG Guidelines, 2015. Collection method: clinical testing. Allele origin: unknown. Not counted in ClinVar's aggregate classification.

ARUP Laboratories, Molecular Genetics and Genomics, ARUP Laboratories
Classification: Likely pathogenic for Deficiency of UDPglucose-hexose-1-phosphate uridylyltransferase. Last evaluated: 2021-06-05. Review status: criteria provided, single submitter. Criteria: ARUP Molecular Germline Variant Investigation Process 2021. Collection method: clinical testing. Allele origin: germline. Not counted in ClinVar's aggregate classification.
Comment: The GALT c.961C>T; p.His321Tyr variant (rs367543266) is reported in the literature in one compound heterozygote and one homozygote affected with galactosemia (Webb 2003, ARUP data). This variant is reported in ClinVar (Variation ID: 25299). This variant is only observed on two alleles in the Genome Aggregation Database, indicating it is not a common polymorphism. The histidine at codon 321 is moderately conserved, and computational analyses predict that this variant is deleterious (REVEL: 0.922). Based on available information, this variant is considered to be likely pathogenic. References: Webb AL et al. Verbal dyspraxia and galactosemia. Pediatr Res. 2003 Mar;53(3):396-402. PMID: 12595586.

PreventionGenetics, part of Exact Sciences
Classification: Pathogenic for GALT-related condition. Last evaluated: 2024-04-15. Review status: no assertion criteria provided. Collection method: clinical testing. Allele origin: germline. Not counted in ClinVar's aggregate classification.
Comment: The GALT c.961C>T variant is predicted to result in the amino acid substitution p.His321Tyr. This variant has been reported, in the homozygous state or heterozygous with a second rare GALT variant, in patients with galactosemia (Table 1, Webb et al. 2003. PubMed ID: 12595586; Table 2, Yuzyuk et al. 2018. PubMed ID: 30172461; Mir et al. 2023. doi: 10.1159/000528905). Additionally, we have observed this variant in the apparent homozygous state in two siblings with classic galactosemia (Internal Data, PreventionGenetics). The p.His321 amino acid has been reported to play a role in GALT enzyme Zn2+ binding, and the p.His321Tyr substitution is predicted to disrupt this metal binding (McCorvie et al. 2016. PubMed ID: 27005423). Additionally, the p.His321Tyr substitution was reported to reduce in vitro enzyme activity to 3.9% of wild-type (Yuzyuk et al. 2018. PubMed ID: 30172461). This variant is reported in 0.0062% of alleles in individuals of African descent in gnomAD. Based on the collective evidence, this variant is interpreted as pathogenic.

Counsyl
Classification: Uncertain significance for Deficiency of UDPglucose-hexose-1-phosphate uridylyltransferase. Last evaluated: 2018-01-08. Review status: no assertion criteria provided. Collection method: clinical testing. Allele origin: unknown. Not counted in ClinVar's aggregate classification.

Literature cited by the submitters: PubMed 30172461 (cited by 4 submitters); PubMed 12595586 (cited by 4 submitters); PubMed 27005423 (cited by 3 submitters); PubMed 30275481 (cited by Mayo Clinic Laboratories, Mayo Clinic); PubMed 33636947 (cited by Mayo Clinic Laboratories, Mayo Clinic).

NM_000155.4(GALT):c.961C>T (p.His321Tyr)

Gene: GALT (galactose-1-phosphate uridylyltransferase; plus strand). Cytogenetic location: 9p13.3.
Variant type: single nucleotide variant.
Coding change: c.961C>T on transcript NM_000155.4 (MANE Select); coding-DNA position 961, C replaced by T.
Protein change: p.His321Tyr; replaces histidine 321 with tyrosine.
Molecular consequence: missense variant.
Genome position (GRCh38, 1-based): chr9:34,649,466, C>T. VCF-style: chr9-34649466-C-T. GRCh37 (hg19) VCF-style: chr9-34649463-C-T.
Other names: p.His321Tyr; NM_000155.4(GALT):c.961C>T; c.634C>T, p.His212Tyr (NM_001258332.2); short protein forms H212Y.
Identifiers: ClinVar variation 25299 (VCV000025299.29), dbSNP rs367543266, ClinGen allele CA259545.